The following is an entry in ClinVar:

NM_001130438.3(SPTAN1):c.1770T>G (p.Asn590Lys)

Gene: SPTAN1 (spectrin alpha, non-erythrocytic 1; plus strand). Cytogenetic location: 9q34.11.
Variant type: single nucleotide variant.
Coding change: c.1770T>G on transcript NM_001130438.3 (MANE Select); coding-DNA position 1770, T replaced by G.
Protein change: p.Asn590Lys; replaces asparagine 590 with lysine.
Molecular consequence: missense variant.
Genome position (GRCh38, 1-based): chr9:128,582,813, T>G. VCF-style: chr9-128582813-T-G. GRCh37 (hg19) VCF-style: chr9-131345092-T-G.
Other names: p.N590K:AAT>AAG; c.1770T>G, p.Asn590Lys (NM_001195532.2, NM_001363759.2, NM_001363765.2 and 1 more transcripts); short protein forms N590K.
Identifiers: ClinVar variation 207322 (VCV000207322.10), dbSNP rs781048881, ClinGen allele CA318676.
Genomic context (GRCh38, chr9:128,582,813, plus strand): 5'-CGATTCTTTCCATCTGCAGCAGTTTTTCCGTGATTCTGATGAGCTCAAGAGTTGGGTCAA[T>G]GAGAAGATGAAAACTGCCACAGATGAAGCTTATAAAGTAATGTACTGTTAGTGTTGCCAT-3'
Protein context (NP_001123910.1, residues 580-600): RDSDELKSWV[Asn590Lys]EKMKTATDEA

ClinVar aggregate classification (germline): Uncertain significance. Review status: criteria provided, multiple submitters, no conflicts (2 of 4 stars). 3 submissions from 3 submitters: Uncertain significance (3). Last evaluated 2025-10-23.

Conditions:
Inborn genetic diseases. Identifiers: MedGen C0950123, MeSH D030342.
Early-infantile DEE. Also called: Ohtahara syndrome; Early infantile epileptic encephalopathy; Early infantile epileptic encephalopathy with suppression bursts. Identifiers: Orphanet 1934, MedGen C0393706, MONDO:0800491.

Allele frequency attached by ClinVar (database versions not stated): ExAC 0.00001; gnomAD exomes below 0.00001 and 0.00002; TOPMed 0.00002; gnomAD 0.00002.
gnomAD v4.1: 27 of 1,613,564 alleles (0.0017%); highest among the groups gnomAD compares: Non-Finnish European, 0.0022%; no homozygotes.

Submissions (3):

GeneDx
Classification: Uncertain significance. Last evaluated: 2025-10-23. Review status: criteria provided, single submitter. Criteria: GeneDx Variant Classification Process June 2021. Collection method: clinical testing. Allele origin: germline. Affected: yes.
Comment: Not observed at significant frequency in large population cohorts (gnomAD); In silico analysis supports that this missense variant has a deleterious effect on protein structure/function; Has not been previously published as pathogenic or benign to our knowledge

Labcorp Genetics (formerly Invitae), Labcorp
Classification: Uncertain significance for Early-infantile DEE. Last evaluated: 2025-03-31. Review status: criteria provided, single submitter. Criteria: Invitae Variant Classification Sherloc (09022015). Collection method: clinical testing. Allele origin: germline.
Comment: This sequence change replaces asparagine, which is neutral and polar, with lysine, which is basic and polar, at codon 590 of the SPTAN1 protein (p.Asn590Lys). This variant is present in population databases (rs781048881, gnomAD 0.0009%). This variant has not been reported in the literature in individuals affected with SPTAN1-related conditions. ClinVar contains an entry for this variant (Variation ID: 207322). Invitae Evidence Modeling of protein sequence and biophysical properties (such as structural, functional, and spatial information, amino acid conservation, physicochemical variation, residue mobility, and thermodynamic stability) has been performed for this missense variant. However, the output from this modeling did not meet the statistical confidence thresholds required to predict the impact of this variant on SPTAN1 protein function. In summary, the available evidence is currently insufficient to determine the role of this variant in disease. Therefore, it has been classified as a Variant of Uncertain Significance.

Ambry Genetics
Classification: Uncertain significance for Inborn genetic diseases. Last evaluated: 2024-08-28. Review status: criteria provided, single submitter. Criteria: Ambry Variant Classification Scheme 2023. Collection method: clinical testing. Allele origin: germline.